The following is an entry in ClinVar:

NC_012920.1(MT-CO1):m.6664T>C

Gene: MT-CO1 (mitochondrially encoded cytochrome c oxidase I; plus strand).
Variant type: single nucleotide variant.
Genome position: chrM-6664-T-C.
Identifiers: ClinVar variation 692664 (VCV000692664.1), dbSNP rs1603220567, ClinGen allele CA414785473.

ClinVar aggregate classification (germline): Uncertain significance (1 of 4 stars; one submission).

Conditions:
Leigh syndrome (NULS). Also called: Leigh's necrotizing encephalopathy; Leigh's disease; Leigh Syndrome (mtDNA deletion); Leigh Disease; Subacute necrotizing encephalopathy; Necrotizing encephalopathy infantile subacute of Leigh. Identifiers: Orphanet 506, MedGen C2931891, MONDO:0009723, OMIM 256000.

Submission:

Wong Mito Lab, Molecular and Human Genetics, Baylor College of Medicine
Classification: Uncertain significance for Leigh syndrome. Last evaluated: 2019-10-17. Review status: criteria provided, single submitter. Criteria: Modified ACMG Guidelines (Unpublished). Collection method: clinical testing. Allele origin: germline.
Comment: The NC_012920.1:m.6664T>C (YP_003024028.1:p.Ile245Thr) variant in MTCO1 gene is interpretated to be a Uncertain Significance variant based on the modified ACMG guidelines (unpublished). This variant meets the following evidence codes: PP3, PP7